The following is an entry in ClinVar:

ClinVar aggregate classification (germline): Pathogenic. Review status: criteria provided, multiple submitters, no conflicts (2 of 4 stars). 2 submissions from 2 submitters: Pathogenic (2). Last evaluated 2022-06-11.

Conditions:
Marfan syndrome (MFS). Also called: Marfan syndrome, classic; FBN1-Related Marfan Syndrome; Marfan syndrome type 1; Marfan's syndrome; MARFAN SYNDROME, TYPE I. Identifiers: Orphanet 284963, Orphanet 558, MedGen C0024796, MONDO:0007947, OMIM 154700.
Familial thoracic aortic aneurysm and aortic dissection (TAAD). Also called: Thoracic aortic aneurysms and dissections. Identifiers: Orphanet 91387, MedGen C4707243, MONDO:0019625.

Submissions (2):

Labcorp Genetics (formerly Invitae), Labcorp
Classification: Pathogenic for Marfan syndrome; Familial thoracic aortic aneurysm and aortic dissection. Last evaluated: 2022-06-11. Review status: criteria provided, single submitter. Criteria: Invitae Variant Classification Sherloc (09022015). Collection method: clinical testing. Allele origin: germline.
Comment: For these reasons, this variant has been classified as Pathogenic. Algorithms developed to predict the effect of sequence changes on RNA splicing suggest that this variant may disrupt the consensus splice site. ClinVar contains an entry for this variant (Variation ID: 199969). Disruption of this splice site has been observed in individuals with clinical features of Marfan syndrome (PMID: 24161884; Invitae). This variant is not present in population databases (gnomAD no frequency). This sequence change affects a donor splice site in intron 12 of the FBN1 gene. It is expected to disrupt RNA splicing. Variants that disrupt the donor or acceptor splice site typically lead to a loss of protein function (PMID: 16199547), and loss-of-function variants in FBN1 are known to be pathogenic (PMID: 17657824, 19293843).

GeneDx
Classification: Pathogenic. Last evaluated: 2013-04-04. Review status: criteria provided, single submitter. Criteria: GeneDx Variant Classification (06012015). Collection method: clinical testing. Allele origin: germline. Affected: yes.
Comment: c.1468+2 T>C: IVS12+2 T>C in intron 12 of the FBN1 gene (NM_000138.4)The c.1468+2 T>C mutation in the FBN1 gene has been reported in association with Marfan syndrome (reported as IVS11+2 T>C due to alternate nomenclature) (Matyas G et al., 2002). This mutation destroys the canonical splice donor site in intron 12 and is predicted to cause abnormal gene splicing. The mutation is predicted to lead to either an abnormal message that is subject to nonsense-mediated mRNA decay, or to an abnormal protein product if the message is used for protein translation. Other splice site mutations in the FBN1 gene have been reported in association with Marfan syndrome. In summary, c.1468+2 T>C in the FBN1 gene is interpreted as a disease-causing mutation. The variant is found in TAAD panel(s).

Literature cited by the submitters: PubMed 24161884 (cited by Labcorp Genetics (formerly Invitae), Labcorp); PubMed 16199547 (cited by Labcorp Genetics (formerly Invitae), Labcorp); PubMed 17657824 (cited by Labcorp Genetics (formerly Invitae), Labcorp); PubMed 19293843 (cited by Labcorp Genetics (formerly Invitae), Labcorp).

NM_000138.5(FBN1):c.1468+2T>C

Gene: FBN1 (fibrillin 1; minus strand). Cytogenetic location: 15q21.1.
Variant type: single nucleotide variant.
Coding change: c.1468+2T>C on transcript NM_000138.5 (MANE Select); the canonical splice donor site of the intron after coding-DNA position 1468, T replaced by C.
Molecular consequence: splice donor variant.
Genome position (GRCh38, 1-based): chr15:48,515,385, A>G on the plus strand (T>C on the coding strand, the complement: FBN1 is on the minus strand). VCF-style: chr15-48515385-A-G. GRCh37 (hg19) VCF-style: chr15-48807582-A-G.
Other names: c.1468+2T>C (NM_001406716.1).
Identifiers: ClinVar variation 199969 (VCV000199969.7), dbSNP rs794728167, ClinGen allele CA012180.